The following is an entry in ClinVar:

ClinVar aggregate classification (germline): Uncertain significance. Review status: criteria provided, multiple submitters, no conflicts (2 of 4 stars). 3 submissions from 3 submitters: Uncertain significance (3). Last evaluated 2025-09-15.

Conditions:
Bohring-Opitz syndrome. Also called: OPITZ TRIGONOCEPHALY-LIKE SYNDROME; ASXL1-Related Bohring-Opitz Syndrome; C-LIKE SYNDROME; BOHRING SYNDROME. Identifiers: Orphanet 97297, MedGen C0796232, MONDO:0011510, OMIM 605039.

gnomAD v4.1: 3 of 1,614,200 alleles (0.00019%); highest among the groups gnomAD compares: Admixed American, 0.0033%; no homozygotes.

Submissions (3):

Labcorp Genetics (formerly Invitae), Labcorp
Classification: Uncertain significance. Last evaluated: 2025-09-15. Review status: criteria provided, single submitter. Criteria: Invitae Variant Classification Sherloc (09022015). Collection method: clinical testing. Allele origin: germline.
Comment: This sequence change replaces glycine, which is neutral and non-polar, with serine, which is neutral and polar, at codon 1154 of the ASXL1 protein (p.Gly1154Ser). This variant is not present in population databases (gnomAD no frequency). This variant has not been reported in the literature in individuals affected with ASXL1-related conditions. ClinVar contains an entry for this variant (Variation ID: 803605). An algorithm developed to predict the effect of missense changes on protein structure and function (PolyPhen-2) suggests that this variant is likely to be tolerated. In summary, the available evidence is currently insufficient to determine the role of this variant in disease. Therefore, it has been classified as a Variant of Uncertain Significance.

Dasa
Classification: Uncertain significance. Last evaluated: 2025-09-13. Review status: criteria provided, single submitter. Criteria: DASA Assertion Criteria. Collection method: clinical testing. Allele origin: germline.
Comment: NM_015338.6(ASXL1):c.3460G>A (p.Gly1154Ser) is a missense variant that results in the substitution of glycine with serine. This variant is rare in population databases. Computational prediction algorithms are consistent with a benign effect. The currently available literature and clinical evidence are not sufficient to establish a definitive association between this variant and the reported condition. Therefore, this variant is classified as a variant of uncertain significance.

Mendelics
Classification: Uncertain significance for Bohring-Opitz syndrome. Last evaluated: 2019-05-28. Review status: criteria provided, single submitter. Criteria: Mendelics Assertion Criteria 2017. Collection method: clinical testing. Allele origin: unknown.

NM_015338.6(ASXL1):c.3460G>A (p.Gly1154Ser)

Gene: ASXL1 (ASXL transcriptional regulator 1; plus strand). Cytogenetic location: 20q11.21.
Variant type: single nucleotide variant.
Coding change: c.3460G>A on transcript NM_015338.6 (MANE Select); coding-DNA position 3460, G replaced by A.
Protein change: p.Gly1154Ser; replaces glycine 1154 with serine.
Molecular consequence: missense variant.
Genome position (GRCh38, 1-based): chr20:32,436,172, G>A. VCF-style: chr20-32436172-G-A. GRCh37 (hg19) VCF-style: chr20-31023975-G-A.
Other names: c.3277G>A, p.Gly1093Ser (NM_001363734.1); short protein forms G1154S, G1093S.
Identifiers: ClinVar variation 803605 (VCV000803605.5), dbSNP rs199571804, ClinGen allele CA408563104.